The following is an entry in ClinVar:

NM_007294.4(BRCA1):c.291A>C (p.Thr97=)

Gene: BRCA1 (BRCA1 DNA repair associated; minus strand). Cytogenetic location: 17q21.31.
Variant type: single nucleotide variant.
Coding change: c.291A>C on transcript NM_007294.4 (MANE Select); coding-DNA position 291, A replaced by C.
Protein change: p.Thr97=; no amino-acid change (threonine 97 retained).
Molecular consequence: synonymous variant. On other transcripts: 5 prime UTR variant (7), intron variant (2).
Genome position (GRCh38, 1-based): chr17:43,104,878, T>G on the plus strand (A>C on the coding strand, the complement: BRCA1 is on the minus strand). VCF-style: chr17-43104878-T-G. GRCh37 (hg19) VCF-style: chr17-41256895-T-G.
Other names: c.81A>C, p.Thr27= (NM_001407571.1, NM_001407853.1, NM_001407879.1 and 58 more transcripts); c.291A>C, p.Thr97= (NM_001407581.1, NM_001407582.1, NM_001407583.1 and 168 more transcripts); c.213A>C, p.Thr71= (NM_001407653.1, NM_001407654.1, NM_001407655.1 and 21 more transcripts); c.150A>C, p.Thr50= (NM_001407692.1, NM_001407694.1, NM_001407695.1 and 99 more transcripts); c.-91A>C (NM_001407959.1, NM_001407960.1, NM_001407962.1 and 4 more transcripts); c.159A>C, p.Thr53= (NM_001408451.1); c.-218-10018A>C (NM_001407967.1, NM_001407966.1).
Identifiers: ClinVar variation 739945 (VCV000739945.14), dbSNP rs1131692085, ClinGen allele CA500127465.

ClinVar aggregate classification (germline): Likely benign. Review status: criteria provided, multiple submitters, no conflicts (2 of 4 stars). 2 submissions from 2 submitters: Likely benign (2). Last evaluated 2020-10-18.

Conditions:
Hereditary breast ovarian cancer syndrome. Also called: BRCA1- and BRCA2-Associated Hereditary Breast and Ovarian Cancer; Hereditary breast and ovarian cancer syndrome (HBOC); Hereditary breast and ovarian cancer syndrome; Breast and ovarian cancer; Hereditary breast and ovarian cancer; Hereditary breast and/or ovarian cancer syndrome. Identifiers: Orphanet 145, MedGen C0677776, MeSH D061325, MONDO:0003582. Disease mechanism: loss of function.
Hereditary cancer-predisposing syndrome. Also called: Hereditary Cancer Syndrome; Hereditary neoplastic syndrome; Neoplastic Syndromes, Hereditary; Tumor predisposition. Identifiers: Orphanet 140162, MedGen C0027672, MeSH D009386, MONDO:0015356.

Submissions (3):

Sema4
Classification: Likely benign for Hereditary cancer-predisposing syndrome. Last evaluated: 2020-10-18. Review status: criteria provided, single submitter. Criteria: Sema4 Curation Guidelines. Collection method: curation. Allele origin: germline.

Labcorp Genetics (formerly Invitae), Labcorp
Classification: Likely benign for Hereditary breast ovarian cancer syndrome. Last evaluated: 2018-03-14. Review status: criteria provided, single submitter. Criteria: Invitae Variant Classification Sherloc (09022015). Collection method: clinical testing. Allele origin: germline.

Brotman Baty Institute, University of Washington
No classification provided (evidence only). Condition: Breast-ovarian cancer, familial 1. Review status: no classification provided. Collection method: in vitro. Allele origin: not applicable. Functional consequence: functionally_normal. Not counted in ClinVar's aggregate classification.
ClinVar note: "not provided" was previously submitted as the classification for the variant. However, the classification appeared to be based only on an observation of functional data so it was converted to no classification on 2025-07-30.